The following is an entry in ClinVar:

ClinVar aggregate classification (germline): Uncertain significance (1 of 4 stars; one submission).

Submission:

GeneDx
Classification: Uncertain significance. Last evaluated: 2020-06-23. Review status: criteria provided, single submitter. Criteria: GeneDx Variant Classification Process June 2021. Collection method: clinical testing. Allele origin: germline. Affected: yes.
Comment: Not observed in large population cohorts (Lek et al., 2016); In silico analysis, which includes protein predictors and evolutionary conservation, supports that this variant does not alter protein structure/function; Has not been previously published as pathogenic or benign to our knowledge

NM_005629.4(SLC6A8):c.1761G>C (p.Met587Ile)

Gene: SLC6A8 (solute carrier family 6 member 8; plus strand). Cytogenetic location: Xq28.
Variant type: single nucleotide variant.
Coding change: c.1761G>C on transcript NM_005629.4 (MANE Select); coding-DNA position 1761, G replaced by C.
Protein change: p.Met587Ile; replaces methionine 587 with isoleucine.
Molecular consequence: missense variant.
Genome position (GRCh38, 1-based): chrX:153,694,883, G>C. VCF-style: chrX-153694883-G-C. GRCh37 (hg19) VCF-style: chrX-152960338-G-C.
Other names: c.1731G>C, p.Met577Ile (NM_001142805.2); c.1416G>C, p.Met472Ile (NM_001142806.1); short protein forms M472I, M577I, M587I.
Identifiers: ClinVar variation 1303418 (VCV001303418.2), dbSNP rs2148364886, ClinGen allele CA415091011.
Genomic context (GRCh38, chrX:153,694,883, plus strand): 5'-CTCCATGCTGTGCGTGCCGCTGCACCTCCTGGGCTGCCTCCTCAGGGCCAAGGGCACCAT[G>C]GCTGAGGTAAGGCTCCCGCCCGGCCCGCCCTCCCCTCCCCTGCTGTGAACATTCAACCCA-3'
Protein context (NP_005620.1, residues 577-597): LGCLLRAKGT[Met587Ile]AERWQHLTQP